The following is an entry in ClinVar:

ClinVar aggregate classification (germline): Uncertain significance (1 of 4 stars; one submission).

Conditions:
EGFR-related lung cancer (EGFR). Identifiers: MedGen CN130014.

Submission:

Labcorp Genetics (formerly Invitae), Labcorp
Classification: Uncertain significance for EGFR-related lung cancer. Last evaluated: 2024-05-01. Review status: criteria provided, single submitter. Criteria: Invitae Variant Classification Sherloc (09022015). Collection method: clinical testing. Allele origin: germline.
Comment: This sequence change replaces asparagine, which is neutral and polar, with serine, which is neutral and polar, at codon 568 of the EGFR protein (p.Asn568Ser). This variant is not present in population databases (gnomAD no frequency). This variant has not been reported in the literature in individuals affected with EGFR-related conditions. Advanced modeling of protein sequence and biophysical properties (such as structural, functional, and spatial information, amino acid conservation, physicochemical variation, residue mobility, and thermodynamic stability) performed at Invitae indicates that this missense variant is not expected to disrupt EGFR protein function with a negative predictive value of 80%. In summary, the available evidence is currently insufficient to determine the role of this variant in disease. Therefore, it has been classified as a Variant of Uncertain Significance.

NM_005228.5(EGFR):c.1703A>G (p.Asn568Ser)

Gene: EGFR (epidermal growth factor receptor; plus strand). Cytogenetic location: 7p11.2.
Variant type: single nucleotide variant.
Coding change: c.1703A>G on transcript NM_005228.5 (MANE Select); coding-DNA position 1703, A replaced by G.
Protein change: p.Asn568Ser; replaces asparagine 568 with serine.
Molecular consequence: missense variant.
Genome position (GRCh38, 1-based): chr7:55,163,804, A>G. VCF-style: chr7-55163804-A-G. GRCh37 (hg19) VCF-style: chr7-55231497-A-G.
Other names: c.1568A>G, p.Asn523Ser (NM_001346897.2, NM_001346899.2); c.1703A>G, p.Asn568Ser (NM_001346898.2, NM_201282.2, NM_201284.2); c.1544A>G, p.Asn515Ser (NM_001346900.2); c.902A>G, p.Asn301Ser (NM_001346941.2); short protein forms N515S, N301S, N523S, N568S.
Identifiers: ClinVar variation 2848010 (VCV002848010.3), dbSNP rs2128944780, ClinGen allele CA367580559.
Genomic context (GRCh38, chr7:55,163,804, plus strand): 5'-AGTTTGTGGAGAACTCTGAGTGCATACAGTGCCACCCAGAGTGCCTGCCTCAGGCCATGA[A>G]CATCACCTGCACAGGACGGGTAAGAGCCCCTTGCTGCTATCCACGTCCATTTCATGGGAA-3'
Protein context (NP_005219.2, residues 558-578): CHPECLPQAM[Asn568Ser]ITCTGRGPDN